The following is an entry in ClinVar:

NM_001378328.1(CELSR1):c.3325A>G (p.Asn1109Asp)

Gene: CELSR1 (cadherin EGF LAG seven-pass G-type receptor 1; minus strand). Cytogenetic location: 22q13.31.
Variant type: single nucleotide variant.
Coding change: c.3325A>G on transcript NM_001378328.1 (MANE Select); coding-DNA position 3325, A replaced by G.
Protein change: p.Asn1109Asp; replaces asparagine 1109 with aspartic acid.
Molecular consequence: missense variant.
Genome position (GRCh38, 1-based): chr22:46,533,846, T>C on the plus strand (A>G on the coding strand, the complement: CELSR1 is on the minus strand). VCF-style: chr22-46533846-T-C. GRCh37 (hg19) VCF-style: chr22-46929743-T-C.
Other names: c.3325A>G, p.Asn1109Asp (NM_014246.4); short protein forms N1109D.
Identifiers: ClinVar variation 1316977 (VCV001316977.2), dbSNP rs2147822277, ClinGen allele CA411937664.

ClinVar aggregate classification (germline): Uncertain significance (1 of 4 stars; one submission).

gnomAD v4.1: 1 of 1,613,912 alleles (0.000062%); highest among the groups gnomAD compares: Non-Finnish European, 0.000085%; no homozygotes.

Submission:

GeneDx
Classification: Uncertain significance. Last evaluated: 2019-06-13. Review status: criteria provided, single submitter. Criteria: GeneDx Variant Classification Process June 2021. Collection method: clinical testing. Allele origin: germline. Affected: yes.
Comment: Not observed in large population cohorts (Lek et al., 2016); In silico analysis, which includes protein predictors and evolutionary conservation, supports a deleterious effect; Has not been previously published as pathogenic or benign to our knowledge